The following is an entry in ClinVar:

NM_024757.5(EHMT1):c.59G>C (p.Cys20Ser)

Gene: EHMT1 (euchromatic histone lysine methyltransferase 1; plus strand). Cytogenetic location: 9q34.3.
Variant type: single nucleotide variant.
Coding change: c.59G>C on transcript NM_024757.5 (MANE Select); coding-DNA position 59, G replaced by C.
Protein change: p.Cys20Ser; replaces cysteine 20 with serine.
Molecular consequence: missense variant. On other transcripts: intron variant (2).
Genome position (GRCh38, 1-based): chr9:137,711,004, G>C. VCF-style: chr9-137711004-G-C. GRCh37 (hg19) VCF-style: chr9-140605456-G-C.
Other names: c.59G>C, p.Cys20Ser (NM_001145527.2, NM_001354263.2, NM_001354611.2); c.-8-5622G>C (NM_001354259.2, NM_001354612.2); short protein forms C20S.
Identifiers: ClinVar variation 3900902 (VCV003900902.1).

ClinVar aggregate classification (germline): Uncertain significance (1 of 4 stars; one submission).

Submission:

GeneDx
Classification: Uncertain significance. Last evaluated: 2024-12-02. Review status: criteria provided, single submitter. Criteria: GeneDx Variant Classification Process June 2021. Collection method: clinical testing. Allele origin: germline. Affected: yes.
Comment: Not observed at significant frequency in large population cohorts (gnomAD); In silico analysis indicates that this missense variant does not alter protein structure/function; Has not been previously published as pathogenic or benign to our knowledge